The following is an entry in ClinVar:

NM_000271.5(NPC1):c.1304T>C (p.Leu435Pro)

Gene: NPC1 (NPC intracellular cholesterol transporter 1; minus strand). Cytogenetic location: 18q11.2.
Variant type: single nucleotide variant.
Coding change: c.1304T>C on transcript NM_000271.5 (MANE Select); coding-DNA position 1304, T replaced by C.
Protein change: p.Leu435Pro; replaces leucine 435 with proline.
Molecular consequence: missense variant.
Genome position (GRCh38, 1-based): chr18:23,556,265, A>G on the plus strand (T>C on the coding strand, the complement: NPC1 is on the minus strand). VCF-style: chr18-23556265-A-G. GRCh37 (hg19) VCF-style: chr18-21136229-A-G.
Other names: short protein forms L435P.
Identifiers: ClinVar variation 2093707 (VCV002093707.4), dbSNP rs2511282069, ClinGen allele CA401777116.

ClinVar aggregate classification (germline): Uncertain significance (1 of 4 stars; one submission).

Conditions:
Niemann-Pick disease, type C1. Also called: NIEMANN-PICK DISEASE, VARIANT TYPE C1; NEUROVISCERAL STORAGE DISEASE WITH VERTICAL SUPRANUCLEAR OPHTHALMOPLEGIA; NIEMANN-PICK DISEASE WITH CHOLESTEROL ESTERIFICATION BLOCK; NIEMANN-PICK DISEASE WITHOUT SPHINGOMYELINASE DEFICIENCY; NIEMANN-PICK DISEASE, CHRONIC NEURONOPATHIC FORM. Identifiers: Orphanet 646, MedGen C3179455, MONDO:0009757, OMIM 257220.

Submission:

Labcorp Genetics (formerly Invitae), Labcorp
Classification: Uncertain significance for Niemann-Pick disease, type C1. Last evaluated: 2024-04-22. Review status: criteria provided, single submitter. Criteria: Invitae Variant Classification Sherloc (09022015). Collection method: clinical testing. Allele origin: germline.
Comment: This sequence change replaces leucine, which is neutral and non-polar, with proline, which is neutral and non-polar, at codon 435 of the NPC1 protein (p.Leu435Pro). This variant is not present in population databases (gnomAD no frequency). This variant has not been reported in the literature in individuals affected with NPC1-related conditions. ClinVar contains an entry for this variant (Variation ID: 2093707). Advanced modeling of protein sequence and biophysical properties (such as structural, functional, and spatial information, amino acid conservation, physicochemical variation, residue mobility, and thermodynamic stability) performed at Invitae indicates that this missense variant is expected to disrupt NPC1 protein function with a positive predictive value of 95%. In summary, the available evidence is currently insufficient to determine the role of this variant in disease. Therefore, it has been classified as a Variant of Uncertain Significance.